The following is an entry in ClinVar:

ClinVar aggregate classification (germline): Uncertain significance (1 of 4 stars; one submission).

Conditions:
COG5-congenital disorder of glycosylation. Also called: COG5-CDG; CDG IIi; CONGENITAL DISORDER OF GLYCOSYLATION, TYPE IIi. Identifiers: Orphanet 263487, MedGen C3150876, MONDO:0013325, OMIM 613612.

Allele frequency attached by ClinVar (database versions not stated): gnomAD exomes below 0.00001; ExAC 0.00001.
gnomAD v4.1: 2 of 1,524,100 alleles (0.00013%); highest among the groups gnomAD compares: South Asian, 0.0027%; no homozygotes.

Submission:

Labcorp Genetics (formerly Invitae), Labcorp
Classification: Uncertain significance for COG5-congenital disorder of glycosylation. Last evaluated: 2022-05-27. Review status: criteria provided, single submitter. Criteria: Invitae Variant Classification Sherloc (09022015). Collection method: clinical testing. Allele origin: germline.
Comment: This sequence change falls in intron 12 of the COG5 gene. It does not directly change the encoded amino acid sequence of the COG5 protein. It affects a nucleotide within the consensus splice site. This variant is present in population databases (rs766711784, gnomAD 0.007%). This variant has not been reported in the literature in individuals affected with COG5-related conditions. Variants that disrupt the consensus splice site are a relatively common cause of aberrant splicing (PMID: 17576681, 9536098). Algorithms developed to predict the effect of sequence changes on RNA splicing suggest that this variant is not likely to affect RNA splicing. In summary, the available evidence is currently insufficient to determine the role of this variant in disease. Therefore, it has been classified as a Variant of Uncertain Significance.

Literature cited by the submitters: PubMed 17576681; PubMed 9536098.

NM_006348.5(COG5):c.1313+4T>C

Gene: COG5 (component of oligomeric golgi complex 5; minus strand). Cytogenetic location: 7q22.3.
Variant type: single nucleotide variant.
Coding change: c.1313+4T>C on transcript NM_006348.5 (MANE Select); 4 bases into the intron after coding-DNA position 1313, T replaced by C.
Molecular consequence: intron variant.
Genome position (GRCh38, 1-based): chr7:107,298,138, A>G on the plus strand (T>C on the coding strand, the complement: COG5 is on the minus strand). VCF-style: chr7-107298138-A-G. GRCh37 (hg19) VCF-style: chr7-106938583-A-G.
Other names: c.599+4T>C (NM_001379516.1); c.743+4T>C (NM_001379515.1); c.1313+4T>C (NM_001379511.1, NM_001379512.1, NM_181733.4 and 3 more transcripts).
Identifiers: ClinVar variation 2089050 (VCV002089050.4), dbSNP rs766711784, ClinGen allele CA4430954.